The following is an entry in ClinVar:

NM_001167.4(XIAP):c.983A>G (p.Lys328Arg)

Gene: XIAP (X-linked inhibitor of apoptosis; plus strand). Cytogenetic location: Xq25.
Variant type: single nucleotide variant.
Coding change: c.983A>G on transcript NM_001167.4 (MANE Select); coding-DNA position 983, A replaced by G.
Protein change: p.Lys328Arg; replaces lysine 328 with arginine.
Molecular consequence: missense variant. On other transcripts: non-coding transcript variant (2).
Genome position (GRCh38, 1-based): chrX:123,891,243, A>G. VCF-style: chrX-123891243-A-G. GRCh37 (hg19) VCF-style: chrX-123025093-A-G.
Other names: c.983A>G, p.Lys328Arg (NM_001204401.2, NM_001378590.1, NM_001378591.1 and 1 more transcripts); short protein forms K328R.
Identifiers: ClinVar variation 4700382 (VCV004700382.1).

ClinVar aggregate classification (germline): Uncertain significance (1 of 4 stars; one submission).

Conditions:
X-linked lymphoproliferative disease due to XIAP deficiency. Also called: XIAP-Related Lymphoproliferative Disease, X-Linked; XIAP DEFICIENCY. Identifiers: Orphanet 2442, Orphanet 538934, MedGen C1845076, MONDO:0010385, OMIM 300635.

Submission:

Labcorp Genetics (formerly Invitae), Labcorp
Classification: Uncertain significance for X-linked lymphoproliferative disease due to XIAP deficiency. Last evaluated: 2025-12-01. Review status: criteria provided, single submitter. Criteria: Invitae Variant Classification Sherloc (09022015). Collection method: clinical testing. Allele origin: germline.
Comment: This sequence change replaces lysine, which is basic and polar, with arginine, which is basic and polar, at codon 328 of the XIAP protein (p.Lys328Arg). The frequency data for this variant in the population databases is considered unreliable, as metrics indicate poor data quality at this position in the gnomAD database. This variant has not been reported in the literature in individuals affected with XIAP-related conditions. Invitae Evidence Modeling of protein sequence and biophysical properties (such as structural, functional, and spatial information, amino acid conservation, physicochemical variation, residue mobility, and thermodynamic stability) indicates that this missense variant is not expected to disrupt XIAP protein function with a negative predictive value of 80%. In summary, the available evidence is currently insufficient to determine the role of this variant in disease. Therefore, it has been classified as a Variant of Uncertain Significance.